The following is an entry in ClinVar:

NM_001013838.3(CARMIL2):c.3765G>A (p.Thr1255=)

Gene: CARMIL2 (capping protein regulator and myosin 1 linker 2; plus strand). Cytogenetic location: 16q22.1.
Variant type: single nucleotide variant.
Coding change: c.3765G>A on transcript NM_001013838.3 (MANE Select); coding-DNA position 3765, G replaced by A.
Protein change: p.Thr1255=; no amino-acid change (threonine 1255 retained).
Molecular consequence: synonymous variant.
Genome position (GRCh38, 1-based): chr16:67,656,250, G>A. VCF-style: chr16-67656250-G-A. GRCh37 (hg19) VCF-style: chr16-67690153-G-A.
Other names: c.3765G>A (NM_001013838.1); c.3657G>A, p.Thr1219= (NM_001317026.3).
Identifiers: ClinVar variation 1103206 (VCV001103206.12), dbSNP rs369035322, ClinGen allele CA8114169.

ClinVar aggregate classification (germline): Likely benign. Review status: criteria provided, single submitter (1 of 4 stars). 2 submissions from 2 submitters: Likely benign (1). 1 of the submissions does not count toward it. Last evaluated 2026-01-06.

Conditions:
CARMIL2-related disorder. Also called: CARMIL2-related condition.

Allele frequency attached by ClinVar (database versions not stated): ExAC 0.00001; gnomAD exomes 0.00003 and 0.00004; TOPMed 0.00005; gnomAD 0.00007; ESP Exome Variant Server 0.00008.
gnomAD v4.1: 58 of 1,613,868 alleles (0.0036%); highest among the groups gnomAD compares: East Asian, 0.045%; no homozygotes.

Submissions (2):

Labcorp Genetics (formerly Invitae), Labcorp
Classification: Likely benign. Last evaluated: 2026-01-06. Review status: criteria provided, single submitter. Criteria: Invitae Variant Classification Sherloc (09022015). Collection method: clinical testing. Allele origin: germline.

PreventionGenetics, part of Exact Sciences
Classification: Likely benign for CARMIL2-related condition. Last evaluated: 2019-03-04. Review status: no assertion criteria provided. Collection method: clinical testing. Allele origin: germline. Not counted in ClinVar's aggregate classification.
Comment: This variant is classified as likely benign based on ACMG/AMP sequence variant interpretation guidelines (Richards et al. 2015 PMID: 25741868, with internal and published modifications).